The following is an entry in ClinVar:

ClinVar aggregate classification (germline): Benign (1 of 4 stars; one submission).

Allele frequency attached by ClinVar (database versions not stated): 1000 Genomes Project 30x 0.20487; 1000 Genomes Project 0.20767; TOPMed 0.25019; gnomAD 0.26389 and 0.26780.
gnomAD v4.1: 223,969 of 779,924 alleles (29%); highest among the groups gnomAD compares: Non-Finnish European, 33%; 34,843 homozygotes.

Submission:

GeneDx
Classification: Benign. Last evaluated: 2018-06-19. Review status: criteria provided, single submitter. Criteria: GeneDx Variant Classification (06012015). Collection method: clinical testing. Allele origin: germline. Affected: yes.
Comment: This variant is considered likely benign or benign based on one or more of the following criteria: it is a conservative change, it occurs at a poorly conserved position in the protein, it is predicted to be benign by multiple in silico algorithms, and/or has population frequency not consistent with disease.

NM_000147.5(FUCA1):c.769-127G>A

Gene: FUCA1 (alpha-L-fucosidase 1; minus strand). Cytogenetic location: 1p36.11.
Variant type: single nucleotide variant.
Coding change: c.769-127G>A on transcript NM_000147.5 (MANE Select); 127 bases into the intron before coding-DNA position 769, G replaced by A.
Molecular consequence: intron variant.
Genome position (GRCh38, 1-based): chr1:23,854,687, C>T on the plus strand (G>A on the coding strand, the complement: FUCA1 is on the minus strand). VCF-style: chr1-23854687-C-T. GRCh37 (hg19) VCF-style: chr1-24181177-C-T.
Identifiers: ClinVar variation 683990 (VCV000683990.1), dbSNP rs12748109, ClinGen allele CA19327807.